The following is an entry in ClinVar:

ClinVar aggregate classification (germline): Likely pathogenic (1 of 4 stars; one submission).

Conditions:
Leukodystrophy, hypomyelinating, 18. Identifiers: MedGen C5193078, MONDO:0032730, OMIM 618404.

Allele frequency attached by ClinVar (database versions not stated): gnomAD exomes below 0.00001.

Submission:

Neuberg Centre For Genomic Medicine, NCGM
Classification: Likely pathogenic for Leukodystrophy, hypomyelinating, 18. Review status: criteria provided, single submitter. Criteria: ACMG Guidelines, 2015. Collection method: clinical testing. Allele origin: germline. Inheritance: Autosomal recessive inheritance. Affected: yes.
Comment: The c.2T>C(p.Met1?) start loss variant in DEGS1 gene has not been reported previously as a pathogenic variant nor as a benign variant, to our knowledge. The p.Met1? variant is novel (not in any individuals) in gnomAD Exomes and 1000 Genomes. The amino acid change p.Met1? in DEGS1 is predicted as conserved by GERP++ and PhyloP across 100 vertebrates. The p.Met1? variant is predicted to disrupt the initiation codon, and thus potentially may interfere with protein expression. This variant is predicted to cause loss of normal protein function through protein truncation. Loss of function variants have been previously reported to be disease causing. For these reasons, this variant has been classified as Likely Pathogenic.

NM_003676.4(DEGS1):c.2T>C (p.Met1Thr)

Gene: DEGS1 (delta 4-desaturase, sphingolipid 1; plus strand). Cytogenetic location: 1q42.11.
Variant type: single nucleotide variant.
Coding change: c.2T>C on transcript NM_003676.4 (MANE Select); coding-DNA position 2, T replaced by C.
Protein change: p.Met1Thr; changes the start codon (methionine 1).
Molecular consequence: missense variant, initiator codon variant.
Genome position (GRCh38, 1-based): chr1:224,183,338, T>C. VCF-style: chr1-224183338-T-C. GRCh37 (hg19) VCF-style: chr1-224371040-T-C.
Other names: c.2T>C, p.Met1Thr (NM_001321541.2); short protein forms M1T.
Identifiers: ClinVar variation 2584783 (VCV002584783.1), dbSNP rs2527259540, ClinGen allele CA344707437.